The following is an entry in ClinVar:

ClinVar aggregate classification (germline): Uncertain significance (1 of 4 stars; one submission).

Submission:

Labcorp Genetics (formerly Invitae), Labcorp
Classification: Uncertain significance. Last evaluated: 2021-04-16. Review status: criteria provided, single submitter. Criteria: Invitae Variant Classification Sherloc (09022015). Collection method: clinical testing. Allele origin: germline.
Comment: In summary, the available evidence is currently insufficient to determine the role of this variant in disease. Therefore, it has been classified as a Variant of Uncertain Significance. Algorithms developed to predict the effect of missense changes on protein structure and function (SIFT, PolyPhen-2, Align-GVGD) all suggest that this variant is likely to be tolerated, but these predictions have not been confirmed by published functional studies and their clinical significance is uncertain. This variant has not been reported in the literature in individuals with EIF2AK3-related conditions. This variant is not present in population databases (ExAC no frequency). This sequence change replaces proline with threonine at codon 1041 of the EIF2AK3 protein (p.Pro1041Thr). The proline residue is weakly conserved and there is a small physicochemical difference between proline and threonine.

NM_004836.7(EIF2AK3):c.3121C>A (p.Pro1041Thr)

Genes: EIF2AK3 (eukaryotic translation initiation factor 2 alpha kinase 3; minus strand), EIF2AK3-AS1 (EIF2AK3 antisense RNA 1; plus strand). Cytogenetic location: 2p11.2.
Variant type: single nucleotide variant.
Coding change: c.3121C>A on transcript NM_004836.7 (MANE Select); coding-DNA position 3121, C replaced by A.
Protein change: p.Pro1041Thr; replaces proline 1041 with threonine.
Molecular consequence: missense variant.
Genome position (GRCh38, 1-based): chr2:88,558,946, G>T on the plus strand (C>A on the coding strand, the complement: EIF2AK3 is on the minus strand). VCF-style: chr2-88558946-G-T. GRCh37 (hg19) VCF-style: chr2-88858464-G-T.
Other names: c.2668C>A, p.Pro890Thr (NM_001313915.2); short protein forms P1041T, P890T.
Identifiers: ClinVar variation 1350709 (VCV001350709.8), dbSNP rs2104379806, ClinGen allele CA347584322.